The following is an entry in ClinVar:

ClinVar aggregate classification (germline): Uncertain significance (1 of 4 stars; one submission).

Submission:

CeGaT Center for Human Genetics Tuebingen
Classification: Uncertain significance. Last evaluated: 2025-04-01. Review status: criteria provided, single submitter. Criteria: CeGaT Center For Human Genetics Tuebingen Variant Classification Criteria Version 2. Collection method: clinical testing. Allele origin: germline. Affected: yes. Observed: 1 variant allele.
Comment: LYST: PM2, PM4

NM_000081.4(LYST):c.5374_5382dup (p.Gln1794_Pro1795insAsnLeuGln)

Gene: LYST (lysosomal trafficking regulator; minus strand). Cytogenetic location: 1q42.3.
Variant type: Duplication.
Coding change: c.5374_5382dup on transcript NM_000081.4 (MANE Select); coding-DNA positions 5374 to 5382, 9 bases duplicated (AATCTCCAA; older notation c.5374_5382dupAATCTCCAA).
Protein change: p.Gln1794_Pro1795insAsnLeuGln.
Molecular consequence: inframe insertion.
Genome position (GRCh38, 1-based): chr1:235,777,141-235,777,149, TTGGAGATT duplicated on the plus strand (AATCTCCAA on the coding strand, the reverse complement: LYST is on the minus strand). VCF-style (leftmost placement, unchanged base first): chr1-235777140-G-GTTGGAGATT. GRCh37 (hg19) VCF-style: chr1-235940440-G-GTTGGAGATT.
Other names: c.5374_5382dup, p.Gln1794_Pro1795insAsnLeuGln (NM_001301365.1).
Identifiers: ClinVar variation 3898504 (VCV003898504.7).